The following is an entry in ClinVar:

NM_007194.4(CHEK2):c.270dup (p.Ala91fs)

Gene: CHEK2 (checkpoint kinase 2; minus strand). Cytogenetic location: 22q12.1.
Variant type: Duplication.
Coding change: c.270dup on transcript NM_007194.4 (MANE Select); coding-DNA position 270, one base duplicated (T; older notation c.270dupT).
Protein change: p.Ala91fs; shifts the reading frame from alanine 91.
Molecular consequence: frameshift variant.
Genome position (GRCh38, 1-based): chr22:28,734,452, A duplicated on the plus strand (T on the coding strand, the reverse complement: CHEK2 is on the minus strand). VCF-style (leftmost placement, unchanged base first): chr22-28734451-C-CA. GRCh37 (hg19) VCF-style: chr22-29130439-C-CA.
Other names: c.270dup, p.Ala91Cysfs (NM_001005735.3, NM_001349956.3, NM_145862.3); c.-508dup (NM_001257387.3); short protein forms A91fs.
Identifiers: ClinVar variation 2583334 (VCV002583334.2), dbSNP rs2518128076, ClinGen allele CA2582342751.

ClinVar aggregate classification (germline): Pathogenic (1 of 4 stars; one submission).

Conditions:
Familial cancer of breast. Also called: Hereditary breast cancer; BREAST CANCER, FAMILIAL; hereditary breast carcinoma. Identifiers: Orphanet 227535, MedGen C0346153, MONDO:0016419, OMIM 114480. Disease mechanism: loss of function.

Submission:

Myriad Genetics, Inc.
Classification: Pathogenic for Familial cancer of breast. Last evaluated: 2023-06-23. Review status: criteria provided, single submitter. Criteria: Myriad Autosomal Dominant, Autosomal Recessive and X-Linked Classification Criteria (2023). Collection method: clinical testing. Allele origin: unknown.
Comment: This variant is considered pathogenic. This variant creates a frameshift predicted to result in premature protein truncation.